The following is an entry in ClinVar:

ClinVar aggregate classification (germline): Uncertain significance (1 of 4 stars; one submission).

Conditions:
Congenital myasthenic syndrome 8. Also called: MYASTHENIC SYNDROME, CONGENITAL, DUE TO AGRIN DEFICIENCY; Myasthenic syndrome, congenital, 8, with pre- and postsynaptic defects. Identifiers: Orphanet 590, MedGen C3808739, MONDO:0014052, OMIM 615120.

Allele frequency attached by ClinVar (database versions not stated): gnomAD exomes below 0.00001; ExAC 0.00002.

Submission:

Labcorp Genetics (formerly Invitae), Labcorp
Classification: Uncertain significance for Congenital myasthenic syndrome 8. Last evaluated: 2023-06-13. Review status: criteria provided, single submitter. Criteria: Invitae Variant Classification Sherloc (09022015). Collection method: clinical testing. Allele origin: germline.
Comment: This sequence change replaces proline, which is neutral and non-polar, with serine, which is neutral and polar, at codon 556 of the AGRN protein (p.Pro556Ser). This variant is present in population databases (rs768688446, gnomAD 0.006%). This variant has not been reported in the literature in individuals affected with AGRN-related conditions. ClinVar contains an entry for this variant (Variation ID: 1350693). An algorithm developed to predict the effect of missense changes on protein structure and function (PolyPhen-2) suggests that this variant is likely to be tolerated. In summary, the available evidence is currently insufficient to determine the role of this variant in disease. Therefore, it has been classified as a Variant of Uncertain Significance.

NM_198576.4(AGRN):c.1666C>T (p.Pro556Ser)

Gene: AGRN (agrin; plus strand). Cytogenetic location: 1p36.33.
Variant type: single nucleotide variant.
Coding change: c.1666C>T on transcript NM_198576.4 (MANE Select); coding-DNA position 1666, C replaced by T.
Protein change: p.Pro556Ser; replaces proline 556 with serine.
Molecular consequence: missense variant.
Genome position (GRCh38, 1-based): chr1:1,043,600, C>T. VCF-style: chr1-1043600-C-T. GRCh37 (hg19) VCF-style: chr1-978980-C-T.
Other names: c.1666C>T, p.Pro556Ser (NM_001305275.2); c.1351C>T, p.Pro451Ser (NM_001364727.2); short protein forms P451S, P556S.
Identifiers: ClinVar variation 1350693 (VCV001350693.6), dbSNP rs768688446, ClinGen allele CA508290.